The following is an entry in ClinVar:

NM_003748.4(ALDH4A1):c.698A>G (p.Lys233Arg)

Gene: ALDH4A1 (aldehyde dehydrogenase 4 family member A1; minus strand). Cytogenetic location: 1p36.13.
Variant type: single nucleotide variant.
Coding change: c.698A>G on transcript NM_003748.4 (MANE Select); coding-DNA position 698, A replaced by G.
Protein change: p.Lys233Arg; replaces lysine 233 with arginine.
Molecular consequence: missense variant.
Genome position (GRCh38, 1-based): chr1:18,881,868, T>C on the plus strand (A>G on the coding strand, the complement: ALDH4A1 is on the minus strand). VCF-style: chr1-18881868-T-C. GRCh37 (hg19) VCF-style: chr1-19208362-T-C.
Other names: c.518A>G, p.Lys173Arg (NM_001161504.2); c.698A>G, p.Lys233Arg (NM_001319218.2, NM_170726.3); short protein forms K173R, K233R.
Identifiers: ClinVar variation 858830 (VCV000858830.7), dbSNP rs376422570, ClinGen allele CA647222.

ClinVar aggregate classification (germline): Uncertain significance (1 of 4 stars; one submission).

Conditions:
Hyperprolinemia type 2 (HYRPRO2). Also called: Deficiency of pyrroline-5-carboxylate reductase; Delta-1-pyrroline-5-carboxylate dehydrogenase deficiency; 1-PYRROLINE-5-CARBOXYLATE DEHYDROGENASE DEFICIENCY. Identifiers: Orphanet 79101, MedGen C2931835, MONDO:0009401, OMIM 239510.

Allele frequency attached by ClinVar (database versions not stated): ESP Exome Variant Server 0.00008; gnomAD exomes 0.00010 and 0.00018; ExAC 0.00011; gnomAD 0.00013; TOPMed 0.00015.
gnomAD v4.1: 279 of 1,613,542 alleles (0.017%); highest among the groups gnomAD compares: Non-Finnish European, 0.023%; no homozygotes.

Submission:

Labcorp Genetics (formerly Invitae), Labcorp
Classification: Uncertain significance for Hyperprolinemia type 2. Last evaluated: 2024-12-02. Review status: criteria provided, single submitter. Criteria: Invitae Variant Classification Sherloc (09022015). Collection method: clinical testing. Allele origin: germline.
Comment: This sequence change replaces lysine, which is basic and polar, with arginine, which is basic and polar, at codon 233 of the ALDH4A1 protein (p.Lys233Arg). This variant is present in population databases (rs376422570, gnomAD 0.02%). This variant has not been reported in the literature in individuals affected with ALDH4A1-related conditions. ClinVar contains an entry for this variant (Variation ID: 858830). An algorithm developed to predict the effect of missense changes on protein structure and function (PolyPhen-2) suggests that this variant is likely to be disruptive. In summary, the available evidence is currently insufficient to determine the role of this variant in disease. Therefore, it has been classified as a Variant of Uncertain Significance.